The following is an entry in ClinVar:

NM_003482.4(KMT2D):c.1300del (p.Pro433_Leu434insTer)

Gene: KMT2D (lysine methyltransferase 2D; minus strand). Cytogenetic location: 12q13.12.
Variant type: Deletion.
Coding change: c.1300del on transcript NM_003482.4 (MANE Select); coding-DNA position 1300, one base deleted (C; older notation c.1300delC).
Protein change: p.Pro433_Leu434insTer.
Molecular consequence: nonsense.
Genome position (GRCh38, 1-based): chr12:49,052,383, G deleted on the plus strand (C on the coding strand, the reverse complement: KMT2D is on the minus strand); the first of 6 consecutive G bases (chr12:49,052,383-49,052,388); deleting any one gives the same sequence. VCF-style (leftmost placement, unchanged base first): chr12-49052382-AG-A. GRCh37 (hg19) VCF-style: chr12-49446165-AG-A.
Other names: c.1300delC (NM_003482.3).
Identifiers: ClinVar variation 280135 (VCV000280135.6), dbSNP rs398123715, ClinGen allele CA10603270.
Genomic context (GRCh38, chr12:49,052,382, plus strand): 5'-TCAGGTGGTGGGGACAGGGGTGACTCCTCAGGTGGGGGCAGCAGTGGCATCTCCTCGTTT[AG>A]GGGGGCCTCCAACTGGGGCTCAAGTTGGACCCCTGCTTTCCCTGCAGACACAACAACACG-3'

ClinVar aggregate classification (germline): Pathogenic/Likely pathogenic. Review status: criteria provided, multiple submitters, no conflicts (2 of 4 stars). 3 submissions from 3 submitters: Pathogenic (2); Likely pathogenic (1). Last evaluated 2024-05-14.

Conditions:
KMT2D-related disorder. Also called: KMT2D-Related Disorders.
Kabuki syndrome 1 (KABUK1). Also called: KMT2D-Related Kabuki Syndrome. Identifiers: Orphanet 2322, MedGen CN030661, MONDO:0007843, OMIM 147920.

Submissions (3):

Blueprint Genetics
Classification: Pathogenic for KMT2D-related disorders. Last evaluated: 2024-05-14. Review status: criteria provided, single submitter. Criteria: ACMG Guidelines, 2015. Collection method: clinical testing. Allele origin: germline. Affected: yes. Observed: 1 variant allele.

Genomics, Genetics and Epigenetics Laboratory, Medical College of Wisconsin
Classification: Likely pathogenic for Kabuki syndrome 1. Last evaluated: 2023-01-13. Review status: criteria provided, single submitter. Criteria: ACMG Guidelines, 2015. Collection method: research. Allele origin: unknown. Affected: yes.

GeneDx
Classification: Pathogenic. Last evaluated: 2016-06-01. Review status: criteria provided, single submitter. Criteria: GeneDx Variant Classification (06012015). Collection method: clinical testing. Allele origin: germline. Affected: yes.
Comment: The c.1300delC pathogenic variant in the KMT2D gene has been reported previously in association with Kabuki syndrome (Miyake et al., 2013). The c.1300delC variant causes a frameshift starting with codon Leucine 434, which changes this amino acid to a premature Stop codon, denoted p.Leu434Ter. This variant is predicted to cause loss of normal protein function either through protein truncation or nonsense-mediated mRNA decay. The c.1300delC variant was not observed in approximately 6,300 individuals of European and African American ancestry in the NHLBI Exome Sequencing Project, indicating it is not a common benign variant in these populations. We interpret c.1300delC as a pathogenic variant.

Literature cited by the submitters: PubMed 36672956 (cited by Genomics, Genetics and Epigenetics Laboratory, Medical College of Wisconsin).